The following continues an entry in ClinVar:

NM_000410.4(HFE):c.187C>G (p.His63Asp)

ClinVar aggregate classification (germline): Conflicting classifications of pathogenicity; other. Pathogenic (41); Likely pathogenic (2); Pathogenic, low penetrance (1); Uncertain significance (2).

Submissions 46 to 58 of 60:

Neuberg Centre For Genomic Medicine, NCGM
Classification: Pathogenic for Hemochromatosis type 1. Review status: criteria provided, single submitter. Criteria: ACMG Guidelines, 2015. Collection method: clinical testing. Allele origin: germline. Inheritance: Autosomal recessive inheritance. Affected: yes.
Comment: The observed missense c.187C>G(p.His63Asp) variant in HFE gene has been reported previously in homozygous or compound heterozygous state in multiple individuals affected with hemochromatosis (Atkins et al., 2022), however, penetrance of the homozygous genotype is very low and is associated with variable phenotypes. Experimental studies have shown that this missense change affects HFE function (Tomatsu et al., 2003). This variant has been reported with the high allele frequency of 10.9% in the gnomAD Exomes. This variant has been submitted to the ClinVar database with Benign / Uncertain Significance / Risk factor / Pathogenic (multiple submitters). The amino acid His at position 63 is changed to a Asp changing protein sequence and it might alter its composition and physico-chemical properties. The amino acid change p.His63Asp in HFE is predicted as conserved by GERP++ and PhyloP across 100 vertebrates.Though the variant frequency is very high in the population, the variant is enriched in patints with HFE hemochromatosis as compared to the general population (Burke et al., 2000). For these reasons, this variant has been classified as a Pathogenic variant which acts as a risk factor for the development of the disease.

UNC Molecular Genetics  Laboratory, University of North Carolina at Chapel Hill
Classification: Pathogenic for Hemochromatosis type 1. Review status: criteria provided, single submitter. Criteria: ACMG Guidelines, 2015. Collection method: research. Allele origin: germline. Affected: no. Observed: 11 variant alleles. Study: NSIGHT-NC NEXUS.
Comment: The HFE c.187C>G (p.H63D) variant is a pathogenic variant seen in 10.8% of the human population in gnomAD. Indviduals with the p.H63D variant are considered carriers of hemochromatosis, although this variant is associated with less severe iron overload and reduced penetrance compared to another pathogenic HFE variant, c.845G>A, p.C282Y (PMID: 19159930; 20301613).

carrier finding

OMIM
No classification provided. Condition: RECLASSIFIED - HFE POLYMORPHISM. Last evaluated: 2024-07-30. Review status: no classification provided. Collection method: literature only. Allele origin: germline. Not counted in ClinVar's aggregate classification.

Clinical Genetics Laboratory, University Hospital Schleswig-Holstein
Classification: Pathogenic for Hemochromatosis type 1. Last evaluated: 2024-07-02. Review status: no assertion criteria provided. Collection method: clinical testing. Allele origin: germline. Affected: yes. Not counted in ClinVar's aggregate classification.

Zotz-Klimas Genetics Lab, MVZ Zotz Klimas
Classification: Pathogenic for Hemochromatosis type 1. Last evaluated: 2023-10-09. Review status: no assertion criteria provided. Collection method: clinical testing. Allele origin: germline. Affected: yes. Not counted in ClinVar's aggregate classification.

Center for Computational Genomics and Data Science, University of Alabama
Classification: risk factor for Cystic fibrosis. Last evaluated: 2019-04-01. Review status: no assertion criteria provided. Collection method: research. Allele origin: germline. Affected: yes. Observed: 3 variant alleles, 2 heterozygotes, 1 homozygote. Not counted in ClinVar's aggregate classification.

Clinical Genetics DNA and cytogenetics Diagnostics Lab, Erasmus MC, Erasmus Medical Center
Classification: Pathogenic. Review status: no assertion criteria provided. Collection method: clinical testing. Allele origin: germline. Affected: yes. Study: VKGL Data-share Consensus. Not counted in ClinVar's aggregate classification.

Department of Pathology and Laboratory Medicine, Sinai Health System
Classification: Pathogenic. Review status: no assertion criteria provided. Collection method: clinical testing. Allele origin: unknown. Affected: yes. Study: The Canadian Open Genetics Repository (COGR). Not counted in ClinVar's aggregate classification.
Comment: The HFE p.His63Asp variant is associated with Hereditary Hemochromatosis (HH), an autosomal-recessive disorder caused by pathogenic HFE variants, most commonly those resulting in p.Cys282Tyr and p.His63Asp (Gurrin_2009_PMID: 19554541). This variant was identified in dbSNP (ID: rs1799945), LOVD 3.0 (classified as pathogenic) and ClinVar (classified as pathogenic for hemochromatosis by Invitae, GeneDx, Illumina, Blueprint Genetics, Counsyl, University of Chicago, Partners Laboratory for Molecular Medicine and Knight Diagnostic Laboratories,Oregon Health and Sciences University). The variant was identified in control databases in 30592 of 282844 chromosomes (2023 homozygous) at a frequency of 0.108159 (Genome Aggregation Database Feb 27, 2017). The variant was observed in the following populations: European (non-Finnish) in 18635 of 129168 chromosomes (freq: 0.1443), Other in 872 of 7222 chromosomes (freq: 0.1207), Ashkenazi Jewish in 1113 of 10370 chromosomes (freq: 0.1073), European (Finnish) in 2598 of 25118 chromosomes (freq: 0.1034), Latino in 3556 of 35438 chromosomes (freq: 0.1003), South Asian in 2457 of 30616 chromosomes (freq: 0.08025), East Asian in 680 of 19952 chromosomes (freq: 0.03408) and African in 681 of 24960 chromosomes (freq: 0.02728). Functional studies show that the HFE p.H63D variant impacts brain iron homeostasis (Nandar_2013_PMID: 23429074). Other studies indicate that the presence of the p.H63D variant results in a significant increase in serum transferrin saturation but does not result in significant iron overload and in the absence of the p.C282Y variant, the p.H63D variant is not clinically significant (Goochee_2002_PMID: 11874997). The homozygous state is considered to be extremely low penetrance and associated with variable phenotypes (Kelley_2014_PMID: 24729993). The c.187C>G variant occurs outside of the splicing consensus sequence and the in silico splicing prediction software programs do not predict any difference in splicing (SpliceSiteFinder, MaxEntScan, NNSPLICE, and GeneSplicer). The p.His63 residue is not conserved in mammals and four out of five computational analyses (PolyPhen-2, SIFT, AlignGVGD, BLOSUM, MutationTaster) do not suggest a high likelihood of impact to the protein; however, this information is not predictive enough to rule out pathogenicity. In summary, based on the above information this variant meets our laboratoryâ€šÃ„Ã´s criteria to be classified as pathogenic. References: Gurrin, Lyle C., et al. â€šÃ„ÃºHFE C282Y/H63D Compound Heterozygotes Are at Low Risk of Hemochromatosis-Related Morbidity.â€šÃ„Ã¹ Hepatology, vol. 50, no. 1, July 2009, pp. 94â€šÃ„Ã¬101. Nandar, Wint, et al. â€šÃ„ÃºA Mutation in the HFE Gene Is Associated with Altered Brain Iron Profiles and Increased Oxidative Stress in Mice.â€šÃ„Ã¹ Biochimica Et Biophysica Acta (BBA) - Molecular Basis of Disease, vol. 1832, no. 6, 2013, pp. 729â€šÃ„Ã¬741. Gochee, Peter A., et al. â€šÃ„ÃºA Population-Based Study of the Biochemical and Clinical Expression of the H63D Hemochromatosis Mutation.â€šÃ„Ã¹ Gastroenterology, vol. 122, no. 3, 2002, pp. 646â€šÃ„Ã¬651. Kelley, Melissa, et al. â€šÃ„ÃºIron Overload Is Rare in Patients Homozygous for the H63D Mutation.â€šÃ„Ã¹ Canadian Journal of Gastroenterology and Hepatology, vol. 28, no. 4, 2014, pp. 198â€šÃ„Ã¬202.

Diagnostic Laboratory, Department of Genetics, University Medical Center Groningen
Classification: Pathogenic. Review status: no assertion criteria provided. Collection method: clinical testing. Allele origin: germline. Affected: yes. Study: VKGL Data-share Consensus. Not counted in ClinVar's aggregate classification.

GeneReviews
No classification provided. Condition: Hemochromatosis type 1. Review status: no classification provided. Collection method: literature only. Allele origin: germline. Not counted in ClinVar's aggregate classification.

Genome Diagnostics Laboratory, University Medical Center Utrecht
Classification: Pathogenic. Review status: no assertion criteria provided. Collection method: clinical testing. Allele origin: germline. Affected: yes. Study: VKGL Data-share Consensus. Not counted in ClinVar's aggregate classification.

Genomics And Bioinformatics Analysis Resource, Columbia University
Classification: Pathogenic for Hemochromatosis type 1. Review status: no assertion criteria provided. Collection method: research. Allele origin: unknown. Affected: yes. Not counted in ClinVar's aggregate classification.
Comment: Compound Heterozygous

Laboratory of Diagnostic Genome Analysis, Leiden University Medical Center (LUMC)
Classification: Pathogenic. Review status: no assertion criteria provided. Collection method: clinical testing. Allele origin: germline. Affected: yes. Study: VKGL Data-share Consensus. Not counted in ClinVar's aggregate classification.